The following is an entry in ClinVar:

ClinVar aggregate classification (germline): Uncertain significance (1 of 4 stars; one submission).

Conditions:
Landau-Kleffner syndrome (FESD). Also called: APHASIA, ACQUIRED, WITH EPILEPSY; EPILEPSY, FOCAL, WITH SPEECH DISORDER AND WITH OR WITHOUT MENTAL RETARDATION. Identifiers: Orphanet 1945, Orphanet 725, Orphanet 98818, MedGen C0282512, MONDO:0009509, OMIM 245570.

gnomAD v4.1: 2 of 1,605,226 alleles (0.00012%); highest among the groups gnomAD compares: African/African-American, 0.0013%; no homozygotes.

Submission:

Labcorp Genetics (formerly Invitae), Labcorp
Classification: Uncertain significance for Landau-Kleffner syndrome. Last evaluated: 2024-06-26. Review status: criteria provided, single submitter. Criteria: Invitae Variant Classification Sherloc (09022015). Collection method: clinical testing. Allele origin: germline.
Comment: This sequence change replaces arginine, which is basic and polar, with glutamine, which is neutral and polar, at codon 370 of the GRIN2A protein (p.Arg370Gln). This variant is not present in population databases (gnomAD no frequency). This missense change has been observed in individual(s) with GRIN2A-related conditions (Invitae). ClinVar contains an entry for this variant (Variation ID: 1017446). Advanced modeling of protein sequence and biophysical properties (such as structural, functional, and spatial information, amino acid conservation, physicochemical variation, residue mobility, and thermodynamic stability) performed at Invitae indicates that this missense variant is expected to disrupt GRIN2A protein function with a positive predictive value of 95%. In summary, the available evidence is currently insufficient to determine the role of this variant in disease. Therefore, it has been classified as a Variant of Uncertain Significance.

NM_001134407.3(GRIN2A):c.1109G>A (p.Arg370Gln)

Gene: GRIN2A (glutamate ionotropic receptor NMDA type subunit 2A; minus strand). Cytogenetic location: 16p13.2.
Variant type: single nucleotide variant.
Coding change: c.1109G>A on transcript NM_001134407.3 (MANE Select); coding-DNA position 1109, G replaced by A.
Protein change: p.Arg370Gln; replaces arginine 370 with glutamine.
Molecular consequence: missense variant.
Genome position (GRCh38, 1-based): chr16:9,890,999, C>T on the plus strand (G>A on the coding strand, the complement: GRIN2A is on the minus strand). VCF-style: chr16-9890999-C-T. GRCh37 (hg19) VCF-style: chr16-9984856-C-T.
Other names: c.1109G>A, p.Arg370Gln (NM_000833.5, NM_001134408.2); short protein forms R370Q.
Identifiers: ClinVar variation 1017446 (VCV001017446.5), dbSNP rs2043683703, ClinGen allele CA394797399.